The following is an entry in ClinVar:

NM_003970.4(MYOM2):c.1216C>T (p.Pro406Ser)

Gene: MYOM2 (myomesin 2; plus strand). Cytogenetic location: 8p23.3.
Variant type: single nucleotide variant.
Coding change: c.1216C>T on transcript NM_003970.4 (MANE Select); coding-DNA position 1216, C replaced by T.
Protein change: p.Pro406Ser; replaces proline 406 with serine.
Molecular consequence: missense variant.
Genome position (GRCh38, 1-based): chr8:2,076,236, C>T. VCF-style: chr8-2076236-C-T. GRCh37 (hg19) VCF-style: chr8-2024316-C-T.
Other names: short protein forms P406S.
Identifiers: ClinVar variation 3043704 (VCV003043704.2), dbSNP rs200681518, ClinGen allele CA170449328.

ClinVar aggregate classification (germline): Benign (0 of 4 stars; one submission).

Conditions:
MYOM2-related disorder. Also called: MYOM2-related condition.

Allele frequency attached by ClinVar (database versions not stated): TOPMed 0.00011; gnomAD 0.00052; gnomAD exomes 0.00089; ExAC 0.00204; 1000 Genomes Project 30x 0.00344; 1000 Genomes Project 0.00399.
gnomAD v4.1: 1,374 of 1,613,710 alleles (0.085%); highest among the groups gnomAD compares: South Asian, 1.4%; 20 homozygotes.

Submission:

PreventionGenetics, part of Exact Sciences
Classification: Benign for MYOM2-related condition. Last evaluated: 2019-06-07. Review status: no assertion criteria provided. Collection method: clinical testing. Allele origin: germline.
Comment: This variant is classified as benign based on ACMG/AMP sequence variant interpretation guidelines (Richards et al. 2015 PMID: 25741868, with internal and published modifications).